The following is an entry in ClinVar:

ClinVar aggregate classification (germline): Pathogenic (1 of 4 stars; one submission).

Conditions:
X-linked agammaglobulinemia with growth hormone deficiency (IGHD3). Also called: AGAMMAGLOBULINEMIA AND ISOLATED GROWTH HORMONE DEFICIENCY, X-LINKED; ISOLATED GROWTH HORMONE DEFICIENCY, TYPE III, WITH AGAMMAGLOBULINEMIA; FLEISHER SYNDROME; HYPOGAMMAGLOBULINEMIA AND ISOLATED GROWTH HORMONE DEFICIENCY, X-LINKED; IGHD III; Isolated growth hormone deficiency type 3. Identifiers: Orphanet 231692, Orphanet 631, MedGen C0472813, MONDO:0010615, OMIM 307200.

Submission:

Labcorp Genetics (formerly Invitae), Labcorp
Classification: Pathogenic for X-linked agammaglobulinemia with growth hormone deficiency. Last evaluated: 2023-03-27. Review status: criteria provided, single submitter. Criteria: Invitae Variant Classification Sherloc (09022015). Collection method: clinical testing. Allele origin: germline.
Comment: This variant has not been reported in the literature in individuals affected with BTK-related conditions. This sequence change creates a premature translational stop signal (p.Glu301Lysfs*30) in the BTK gene. It is expected to result in an absent or disrupted protein product. Loss-of-function variants in BTK are known to be pathogenic (PMID: 15661032, 16862044, 19419768). This variant is not present in population databases (gnomAD no frequency). For these reasons, this variant has been classified as Pathogenic.

Literature cited by the submitters: PubMed 15661032; PubMed 16862044; PubMed 19419768.

NC_000023.11:g.101358697del

Gene: BTK (Bruton tyrosine kinase; minus strand). Cytogenetic location: Xq22.1.
Variant type: Deletion.
Genome position: GRCh38 VCF-style: chrX-101358693-TC-T. GRCh37 (hg19) VCF-style: chrX-100613681-TC-T.
Identifiers: ClinVar variation 2849961 (VCV002849961.3), dbSNP rs2520574237, ClinGen allele CA2695235490.
Genomic context (GRCh38, chrX:101,358,693, plus strand): 5'-ACACAGACACTGTATATTTGCCAGCTTTGCTGGAGTCTCTGACAATGAAACCTCCTTCTT[TC>T]CCCTGAAACAACGAAAAAGAAGCTGTCTGTAGGAGGAAGTGGTGCTCACACCTGCATCCC-3'